The following is an entry in ClinVar:

NM_017780.4(CHD7):c.5238C>G (p.Tyr1746Ter)

Gene: CHD7 (chromodomain helicase DNA binding protein 7; plus strand). Cytogenetic location: 8q12.2.
Variant type: single nucleotide variant.
Coding change: c.5238C>G on transcript NM_017780.4 (MANE Select); coding-DNA position 5238, C replaced by G.
Protein change: p.Tyr1746Ter; replaces tyrosine 1746 with a stop codon.
Molecular consequence: nonsense. On other transcripts: intron variant (1).
Genome position (GRCh38, 1-based): chr8:60,848,542, C>G. VCF-style: chr8-60848542-C-G. GRCh37 (hg19) VCF-style: chr8-61761101-C-G.
Other names: c.1717-13687C>G (NM_001316690.1); short protein forms Y1746*.
Identifiers: ClinVar variation 459551 (VCV000459551.7), dbSNP rs1554603151, ClinGen allele CA371320814.

ClinVar aggregate classification (germline): Pathogenic. Review status: criteria provided, multiple submitters, no conflicts (2 of 4 stars). 2 submissions from 2 submitters: Pathogenic (2). Last evaluated 2023-04-26.

Conditions:
CHARGE syndrome (CHARGE). Also called: Hittner Hirsch Kreh syndrome; CHARGE ASSOCIATION--COLOBOMA, HEART ANOMALY, CHOANAL ATRESIA, RETARDATION, GENITAL AND EAR ANOMALIES; Coloboma, heart anomaly, choanal atresia, retardation, genital and ear anomalies; CHARGE association; Hall-Hittner syndrome. Identifiers: Orphanet 138, MedGen C0265354, MONDO:0008965.

Submissions (2):

Institute of Medical Genetics and Applied Genomics, University Hospital Tübingen
Classification: Pathogenic for CHD7-related CHARGE syndrome; CHARGE syndrome. Last evaluated: 2023-04-26. Review status: criteria provided, single submitter. Criteria: ACMG Guidelines, 2015. Collection method: clinical testing. Allele origin: germline. Inheritance: Autosomal dominant inheritance. Affected: yes.

Labcorp Genetics (formerly Invitae), Labcorp
Classification: Pathogenic for CHARGE syndrome. Last evaluated: 2017-03-21. Review status: criteria provided, single submitter. Criteria: Invitae Variant Classification Sherloc (09022015). Collection method: clinical testing. Allele origin: germline.
Comment: While this particular variant has not been reported in the literature, loss-of-function variants in CHD7 are known to be pathogenic (PMID: 16400610, 22461308). For these reasons, this variant has been classified as Pathogenic. This sequence change creates a premature translational stop signal at codon 1746 (p.Tyr1746*) of the CHD7 gene. It is expected to result in an absent or disrupted protein product.

Literature cited by the submitters: PubMed 16400610 (cited by Labcorp Genetics (formerly Invitae), Labcorp); PubMed 22461308 (cited by Labcorp Genetics (formerly Invitae), Labcorp).